The following is an entry in ClinVar:

NM_003011.4(SET):c.811-6_811-3del

Gene: SET (SET nuclear proto-oncogene; plus strand). Cytogenetic location: 9q34.11.
Variant type: Microsatellite.
Coding change: c.811-6_811-3del on transcript NM_003011.4 (MANE Select); 6 bases into the intron before coding-DNA position 811 through 3 bases into the intron before coding-DNA position 811, 4 bases deleted (TTTC; older notation c.811-6_811-3delTTTC).
Molecular consequence: intron variant.
Genome position (GRCh38, 1-based): chr9:128,694,635-128,694,638, TTTC deleted; deleting any 4 consecutive bases within chr9:128,694,631-128,694,638 gives the same sequence; the c. name uses the placement nearest the transcript's 3' end. VCF-style (leftmost placement, unchanged base first): chr9-128694630-TTTTC-T. GRCh37 (hg19) VCF-style: chr9-131456909-TTTTC-T.
Other names: c.850-6_850-3del (NM_001374326.1, NM_001122821.2); c.784-6_784-3del (NM_001248000.2); c.778-6_778-3del (NM_001248001.2).
Identifiers: ClinVar variation 4527310 (VCV004527310.1).

ClinVar aggregate classification (germline): Uncertain significance (1 of 4 stars; one submission).

Submission:

GeneDx
Classification: Uncertain significance. Last evaluated: 2025-04-30. Review status: criteria provided, single submitter. Criteria: GeneDx Variant Classification Process June 2021. Collection method: clinical testing. Allele origin: germline. Affected: yes.
Comment: Not observed at significant frequency in large population cohorts (gnomAD); In silico analysis is inconclusive as to whether the variant alters gene splicing. In the absence of RNA/functional studies, the actual effect of this sequence change is unknown.; Has not been previously published as pathogenic or benign to our knowledge